The following is an entry in ClinVar:

NM_005219.5(DIAPH1):c.1018C>G (p.Arg340Gly)

Gene: DIAPH1 (diaphanous related formin 1; minus strand). Cytogenetic location: 5q31.3.
Variant type: single nucleotide variant.
Coding change: c.1018C>G on transcript NM_005219.5 (MANE Select); coding-DNA position 1018, C replaced by G.
Protein change: p.Arg340Gly; replaces arginine 340 with glycine.
Molecular consequence: missense variant.
Genome position (GRCh38, 1-based): chr5:141,578,541, G>C on the plus strand (C>G on the coding strand, the complement: DIAPH1 is on the minus strand). VCF-style: chr5-141578541-G-C. GRCh37 (hg19) VCF-style: chr5-140958108-G-C.
Other names: c.991C>G, p.Arg331Gly (NM_001079812.3); c.1018C>G, p.Arg340Gly (NM_001314007.2); short protein forms R340G, R331G.
Identifiers: ClinVar variation 2935371 (VCV002935371.3), dbSNP rs754730261, ClinGen allele CA361532260.

ClinVar aggregate classification (germline): Uncertain significance (1 of 4 stars; one submission).

Conditions:
Progressive microcephaly-seizures-cortical blindness-developmental delay syndrome. Also called: Seizures, cortical blindness, and microcephaly syndrome. Identifiers: Orphanet 477814, MedGen C5567650, MONDO:0014714, OMIM 616632.
Autosomal dominant nonsyndromic hearing loss 1. Also called: KONIGSMARK SYNDROME; DEAFNESS, AUTOSOMAL DOMINANT 1, WITH OR WITHOUT THROMBOCYTOPENIA. Identifiers: Orphanet 90635, MedGen C1852282, MONDO:0007424, OMIM 124900.

Submission:

Labcorp Genetics (formerly Invitae), Labcorp
Classification: Uncertain significance for Progressive microcephaly-seizures-cortical blindness-developmental delay syndrome; Autosomal dominant nonsyndromic hearing loss 1. Last evaluated: 2024-07-29. Review status: criteria provided, single submitter. Criteria: Invitae Variant Classification Sherloc (09022015). Collection method: clinical testing. Allele origin: germline.
Comment: This sequence change replaces arginine, which is basic and polar, with glycine, which is neutral and non-polar, at codon 340 of the DIAPH1 protein (p.Arg340Gly). This variant is not present in population databases (gnomAD no frequency). This variant has not been reported in the literature in individuals affected with DIAPH1-related conditions. Experimental studies and prediction algorithms are not available or were not evaluated, and the functional significance of this variant is currently unknown. In summary, the available evidence is currently insufficient to determine the role of this variant in disease. Therefore, it has been classified as a Variant of Uncertain Significance.